The following is an entry in ClinVar:

NM_053025.4(MYLK):c.2051A>G (p.Glu684Gly)

Gene: MYLK (myosin light chain kinase; minus strand). Cytogenetic location: 3q21.1.
Variant type: single nucleotide variant.
Coding change: c.2051A>G on transcript NM_053025.4 (MANE Select); coding-DNA position 2051, A replaced by G.
Protein change: p.Glu684Gly; replaces glutamic acid 684 with glycine.
Molecular consequence: missense variant.
Genome position (GRCh38, 1-based): chr3:123,708,787, T>C on the plus strand (A>G on the coding strand, the complement: MYLK is on the minus strand). VCF-style: chr3-123708787-T-C. GRCh37 (hg19) VCF-style: chr3-123427634-T-C.
Other names: c.1523A>G, p.Glu508Gly (NM_001321309.2); c.1844A>G, p.Glu615Gly (NM_053026.4, NM_053028.4); c.2051A>G, p.Glu684Gly (NM_053027.4); short protein forms E508G, E615G, E684G.
Identifiers: ClinVar variation 4115070 (VCV004115070.1).

ClinVar aggregate classification (germline): Uncertain significance (1 of 4 stars; one submission).

Conditions:
Familial thoracic aortic aneurysm and aortic dissection (TAAD). Also called: Thoracic aortic aneurysms and dissections. Identifiers: Orphanet 91387, MedGen C4707243, MONDO:0019625.

gnomAD v4.1: 5 of 1,614,172 alleles (0.00031%); highest among the groups gnomAD compares: Non-Finnish European, 0.00042%; no homozygotes.

Submission:

Ambry Genetics
Classification: Uncertain significance for Familial thoracic aortic aneurysm and aortic dissection. Last evaluated: 2025-09-04. Review status: criteria provided, single submitter. Criteria: Ambry Variant Classification Scheme 2023. Collection method: clinical testing. Allele origin: germline.
Comment: The p.E684G variant (also known as c.2051A>G), located in coding exon 12 of the MYLK gene, results from an A to G substitution at nucleotide position 2051. The glutamic acid at codon 684 is replaced by glycine, an amino acid with similar properties. This amino acid position is conserved. In addition, this alteration is predicted to be tolerated by in silico analysis. Based on the available evidence, the clinical significance of this variant remains unclear.